The following is an entry in ClinVar:

ClinVar aggregate classification (germline): Uncertain significance. Review status: criteria provided, multiple submitters, no conflicts (2 of 4 stars). 2 submissions from 2 submitters: Uncertain significance (2). Last evaluated 2025-05-07.

Conditions:
Charcot-Marie-Tooth disease type 2. Also called: Charcot-Marie-Tooth type 2. Identifiers: Orphanet 64746, MedGen C0270914, MONDO:0018993.

Submissions (2):

Ambry Genetics
Classification: Uncertain significance. Last evaluated: 2025-05-07. Review status: criteria provided, single submitter. Criteria: Ambry Variant Classification Scheme 2023. Collection method: clinical testing. Allele origin: germline.
Comment: The p.S51R variant (also known as c.153C>G), located in coding exon 2 of the KIF1B gene, results from a C to G substitution at nucleotide position 153. The serine at codon 51 is replaced by arginine, an amino acid with dissimilar properties. This amino acid position is conserved. In addition, this alteration is predicted to be deleterious by in silico analysis. Since supporting evidence is limited at this time, the clinical significance of this alteration remains unclear.

Labcorp Genetics (formerly Invitae), Labcorp
Classification: Uncertain significance for Charcot-Marie-Tooth disease type 2. Last evaluated: 2023-11-02. Review status: criteria provided, single submitter. Criteria: Invitae Variant Classification Sherloc (09022015). Collection method: clinical testing. Allele origin: germline.
Comment: This sequence change replaces serine, which is neutral and polar, with arginine, which is basic and polar, at codon 51 of the KIF1B protein (p.Ser51Arg). This variant is not present in population databases (gnomAD no frequency). This variant has not been reported in the literature in individuals affected with KIF1B-related conditions. ClinVar contains an entry for this variant (Variation ID: 1774795). Advanced modeling of protein sequence and biophysical properties (such as structural, functional, and spatial information, amino acid conservation, physicochemical variation, residue mobility, and thermodynamic stability) performed at Invitae indicates that this missense variant is not expected to disrupt KIF1B protein function with a negative predictive value of 80%. In summary, the available evidence is currently insufficient to determine the role of this variant in disease. Therefore, it has been classified as a Variant of Uncertain Significance.

NM_001365951.3(KIF1B):c.153C>G (p.Ser51Arg)

Gene: KIF1B (kinesin family member 1B; plus strand). Cytogenetic location: 1p36.22.
Variant type: single nucleotide variant.
Coding change: c.153C>G on transcript NM_001365951.3 (MANE Select); coding-DNA position 153, C replaced by G.
Protein change: p.Ser51Arg; replaces serine 51 with arginine.
Molecular consequence: missense variant.
Genome position (GRCh38, 1-based): chr1:10,256,293, C>G. VCF-style: chr1-10256293-C-G. GRCh37 (hg19) VCF-style: chr1-10316351-C-G.
Other names: c.153C>G, p.Ser51Arg (NM_001365952.1, NM_001365953.1, NM_015074.3 and 1 more transcripts); short protein forms S51R.
Identifiers: ClinVar variation 1774795 (VCV001774795.6), dbSNP rs2523454332, ClinGen allele CA338323118.